The following is an entry in ClinVar:

NM_001384140.1(PCDH15):c.2617G>T (p.Glu873Ter)

Gene: PCDH15 (protocadherin related 15; minus strand). Cytogenetic location: 10q21.1.
Variant type: single nucleotide variant.
Coding change: c.2617G>T on transcript NM_001384140.1 (MANE Select); coding-DNA position 2617, G replaced by T.
Protein change: p.Glu873Ter; replaces glutamic acid 873 with a stop codon.
Molecular consequence: nonsense.
Genome position (GRCh38, 1-based): chr10:54,020,326, C>A on the plus strand (G>T on the coding strand, the complement: PCDH15 is on the minus strand). VCF-style: chr10-54020326-C-A. GRCh37 (hg19) VCF-style: chr10-55780086-C-A.
Other names: c.2632G>T, p.Glu878Ter (NM_001142763.2, NM_001142771.2); c.2617G>T, p.Glu873Ter (NM_001142764.2, NM_001142766.2, NM_001142770.3 and 5 more transcripts); c.2404G>T, p.Glu802Ter (NM_001142765.2); c.2506G>T, p.Glu836Ter (NM_001142767.2); c.2551G>T, p.Glu851Ter (NM_001142768.2, NM_001142773.2, NM_001354404.2); c.2653G>T, p.Glu885Ter (NM_001142769.4); c.2638G>T, p.Glu880Ter (NM_001354411.2); short protein forms E836*, E851*, E885*, E802*, E880*, E873*, E878*.
Identifiers: ClinVar variation 2698326 (VCV002698326.3), dbSNP rs768610663, ClinGen allele CA376522361.

ClinVar aggregate classification (germline): Pathogenic (1 of 4 stars; one submission).

Submission:

Labcorp Genetics (formerly Invitae), Labcorp
Classification: Pathogenic. Last evaluated: 2023-11-24. Review status: criteria provided, single submitter. Criteria: Invitae Variant Classification Sherloc (09022015). Collection method: clinical testing. Allele origin: germline.
Comment: This sequence change creates a premature translational stop signal (p.Glu873*) in the PCDH15 gene. It is expected to result in an absent or disrupted protein product. Loss-of-function variants in PCDH15 are known to be pathogenic (PMID: 11398101, 11487575, 14570705). This variant is not present in population databases (gnomAD no frequency). This variant has not been reported in the literature in individuals affected with PCDH15-related conditions. For these reasons, this variant has been classified as Pathogenic.

Literature cited by the submitters: PubMed 11398101; PubMed 11487575; PubMed 14570705.